The following is an entry in ClinVar:

NM_001077350.3(NPRL3):c.189-1G>A

Genes: HBA-LCR (alpha-globin locus control region; plus strand), NPRL3 (NPR3 like, GATOR1 complex subunit; minus strand). Cytogenetic location: 16p13.3.
Variant type: single nucleotide variant.
Coding change: c.189-1G>A on transcript NM_001077350.3 (MANE Select); the canonical splice acceptor site of the intron before coding-DNA position 189, G replaced by A.
Molecular consequence: splice acceptor variant. On other transcripts: intron variant (1).
Genome position (GRCh38, 1-based): chr16:119,256, C>T on the plus strand (G>A on the coding strand, the complement: NPRL3 is on the minus strand). VCF-style: chr16-119256-C-T. GRCh37 (hg19) VCF-style: chr16-169255-C-T.
Other names: c.-46-1G>A (NM_001243247.2); c.189-1G>A (NM_001243248.2, NM_001243249.2, NM_001077350.2); c.-144-6481G>A (NM_001039476.3).
Identifiers: ClinVar variation 1012387 (VCV001012387.41), dbSNP rs1900184374, ClinGen allele CA393995719.

ClinVar aggregate classification (germline): Pathogenic. Review status: criteria provided, multiple submitters, no conflicts (2 of 4 stars). 4 submissions from 4 submitters: Pathogenic (4). Last evaluated 2024-10-09.

Conditions:
Epilepsy, familial focal, with variable foci 3 (FFEVF3). Identifiers: MedGen C4310708, MONDO:0014925, OMIM 617118.

Submissions (4):

Victorian Clinical Genetics Services, Murdoch Childrens Research Institute
Classification: Pathogenic for Epilepsy, familial focal, with variable foci 3. Last evaluated: 2024-10-09. Review status: criteria provided, single submitter. Criteria: ACMG Guidelines, 2015. Collection method: clinical testing. Allele origin: germline. Inheritance: Autosomal dominant inheritance. Affected: yes.
Comment: Based on the classification scheme VCGS_Germline_v1.3.4, this variant is classified as Pathogenic. Following criteria are met: 0102 - Loss of function is a known mechanism of disease in this gene and is associated with familial focal epilepsy with variable foci 3 (MIM#617118). (I) 0107 - This gene is associated with autosomal dominant disease. (I) 0112 - The condition associated with this gene has incomplete penetrance (OMIM, PMID: 26505888). (I) 0211 - Canonical splice site variant without proven consequence on splicing (no functional evidence available). (SP) 0251 - This variant is heterozygous. (I) 0301 - Variant is absent from gnomAD (both v2 and v3). (SP) 0505 - Abnormal splicing is predicted by in silico tools and affected nucleotide is highly conserved. (SP) 0704 - Another canonical splice site variant comparable to the one identified in this case has limited previous evidence for pathogenicity. c.189-2A>T has been reported once as likely pathogenic by a clinical laboratory (ClinVar). (SP) 0801 - This variant has strong previous evidence of pathogenicity in unrelated individuals. The variant has been reported in one individual with epilepsy, focal cortical dysplasia, and ID (PMID: 36324633) and in one individual with epilepsy and ID (PMID: 37422919). Additionally, it has been classified as pathogenic by multiple clinical laboratories (ClinVar). (SP) 0905 - No published segregation evidence has been identified for this variant. (I) 1007 - No published functional evidence has been identified for this variant. (I) 1208 - Inheritance information for this variant is not currently available in this individual. (I) Legend: (SP) - Supporting pathogenic, (I) - Information, (SB) - Supporting benign

CeGaT Center for Human Genetics Tuebingen
Classification: Pathogenic. Last evaluated: 2023-11-01. Review status: criteria provided, single submitter. Criteria: CeGaT Center For Human Genetics Tuebingen Variant Classification Criteria Version 2. Collection method: clinical testing. Allele origin: germline. Affected: yes. Observed: 2 variant alleles.
Comment: NPRL3: PVS1, PM2

Baylor Genetics
Classification: Pathogenic for Epilepsy, familial focal, with variable foci 3. Last evaluated: 2023-06-28. Review status: criteria provided, single submitter. Criteria: ACMG Guidelines, 2015. Collection method: clinical testing. Allele origin: unknown.

Institute of Human Genetics, University of Leipzig Medical Center
Classification: Pathogenic for Epilepsy, familial focal, with variable foci 3. Last evaluated: 2022-02-10. Review status: criteria provided, single submitter. Criteria: ACMG Guidelines, 2015. Collection method: clinical testing. Allele origin: maternal. Affected: yes.
Comment: _x000D_ Criteria applied: PVS1, PS4_SUP, PM2_SUP

Literature cited by the submitters: PubMed 26505888 (cited by Victorian Clinical Genetics Services, Murdoch Childrens Research Institute); PubMed 36324633 (cited by Victorian Clinical Genetics Services, Murdoch Childrens Research Institute); PubMed 37422919 (cited by Victorian Clinical Genetics Services, Murdoch Childrens Research Institute).